The following is an entry in ClinVar:

NC_000002.11:g.(?_50573809)_(50692719_?)del

Gene: NRXN1 (neurexin 1; minus strand). Cytogenetic location: 2p16.3.
Variant type: Deletion.
Identifiers: ClinVar variation 1007130 (VCV001007130.2).

ClinVar aggregate classification (germline): Uncertain significance (1 of 4 stars; one submission).

Conditions:
Pitt-Hopkins-like syndrome 2 (PTHSL2). Identifiers: Orphanet 221150, Orphanet 600663, MedGen C3280479, MONDO:0013690, OMIM 614325.

Submission:

Labcorp Genetics (formerly Invitae), Labcorp
Classification: Uncertain significance for Pitt-Hopkins-like syndrome 2. Last evaluated: 2020-02-02. Review status: criteria provided, single submitter. Criteria: Invitae Variant Classification Sherloc (09022015). Collection method: clinical testing. Allele origin: germline.
Comment: This variant is an in-frame deletion of the genomic region encompassing exon 18 of the NRXN1 gene. It preserves the integrity of the reading frame. This variant has not been reported in the literature in individuals with NRXN1-related conditions. Experimental studies and prediction algorithms are not available or were not evaluated, and the functional significance of this variant is currently unknown. In summary, the available evidence is currently insufficient to determine the role of this variant in disease. Therefore, it has been classified as a Variant of Uncertain Significance.